The following is an entry in ClinVar:

NM_001001957.2(OR2W3):c.536G>A (p.Arg179His)

Gene: OR2W3 (olfactory receptor family 2 subfamily W member 3; plus strand). Cytogenetic location: 1q44.
Variant type: single nucleotide variant.
Coding change: c.536G>A on transcript NM_001001957.2 (MANE Select); coding-DNA position 536, G replaced by A.
Protein change: p.Arg179His; replaces arginine 179 with histidine.
Molecular consequence: missense variant.
Genome position (GRCh38, 1-based): chr1:247,896,122, G>A. VCF-style: chr1-247896122-G-A. GRCh37 (hg19) VCF-style: chr1-248059424-G-A.
Other names: short protein forms R179H.
Identifiers: ClinVar variation 1501271 (VCV001501271.7), dbSNP rs573251633, ClinGen allele CA1498624.

ClinVar aggregate classification (germline): Uncertain significance. Review status: criteria provided, multiple submitters, no conflicts (2 of 4 stars). 2 submissions from 2 submitters: Uncertain significance (2). Last evaluated 2025-12-10.

Allele frequency attached by ClinVar (database versions not stated): ExAC 0.00001; gnomAD exomes 0.00001 and 0.00002; TOPMed 0.00003; 1000 Genomes Project 30x 0.00016; 1000 Genomes Project 0.00020.

Submissions (2):

Labcorp Genetics (formerly Invitae), Labcorp
Classification: Uncertain significance. Last evaluated: 2025-12-10. Review status: criteria provided, single submitter. Criteria: Invitae Variant Classification Sherloc (09022015). Collection method: clinical testing. Allele origin: germline.
Comment: This sequence change replaces arginine, which is basic and polar, with histidine, which is basic and polar, at codon 179 of the OR2W3 protein (p.Arg179His). This variant is present in population databases (rs573251633, gnomAD 0.004%). This variant has not been reported in the literature in individuals affected with OR2W3-related conditions. ClinVar contains an entry for this variant (Variation ID: 1501271). An algorithm developed to predict the effect of missense changes on protein structure and function (PolyPhen-2) suggests that this variant is likely to be tolerated. In summary, the available evidence is currently insufficient to determine the role of this variant in disease. Therefore, it has been classified as a Variant of Uncertain Significance.

Ambry Genetics
Classification: Uncertain significance. Last evaluated: 2024-02-12. Review status: criteria provided, single submitter. Criteria: Ambry Variant Classification Scheme 2023. Collection method: clinical testing. Allele origin: germline.